The following is an entry in ClinVar:

ClinVar aggregate classification (germline): Uncertain significance (1 of 4 stars; one submission).

Submission:

Labcorp Genetics (formerly Invitae), Labcorp
Classification: Uncertain significance. Last evaluated: 2025-12-01. Review status: criteria provided, single submitter. Criteria: Invitae Variant Classification Sherloc (09022015). Collection method: clinical testing. Allele origin: germline.
Comment: This sequence change creates a premature translational stop signal (p.Arg163*) in the AP2M1 gene. It is expected to result in an absent or disrupted protein product. However, the current clinical and genetic evidence is not sufficient to establish whether loss-of-function variants in AP2M1 cause disease. This variant is not present in population databases (gnomAD no frequency). This variant has not been reported in the literature in individuals affected with AP2M1-related conditions. In summary, the available evidence is currently insufficient to determine the role of this variant in disease. Therefore, it has been classified as a Variant of Uncertain Significance.

NM_004068.4(AP2M1):c.487C>T (p.Arg163Ter)

Gene: AP2M1 (adaptor related protein complex 2 subunit mu 1; plus strand). Cytogenetic location: 3q27.1.
Variant type: single nucleotide variant.
Coding change: c.487C>T on transcript NM_004068.4 (MANE Select); coding-DNA position 487, C replaced by T.
Protein change: p.Arg163Ter; replaces arginine 163 with a stop codon.
Molecular consequence: nonsense.
Genome position (GRCh38, 1-based): chr3:184,180,906, C>T. VCF-style: chr3-184180906-C-T. GRCh37 (hg19) VCF-style: chr3-183898694-C-T.
Other names: c.481C>T, p.Arg161Ter (NM_001025205.2); c.562C>T, p.Arg188Ter (NM_001311198.2); short protein forms R163*, R188*, R161*.
Identifiers: ClinVar variation 4732269 (VCV004732269.1).
Genomic context (GRCh38, chr3:184,180,906, plus strand): 5'-TAGACAAAAGAAGAGCAGTCACAGATCACCAGCCAGGTAACTGGGCAGATTGGCTGGCGG[C>T]GAGAGGGTATCAAGTATCGTCGGAATGAGCTCTTCCTGGATGTGCTGGAGAGTGTGAACC-3'